The following is an entry in ClinVar:

NM_001173467.3(SP7):c.425G>A (p.Gly142Asp)

Gene: SP7 (Sp7 transcription factor; minus strand). Cytogenetic location: 12q13.13.
Variant type: single nucleotide variant.
Coding change: c.425G>A on transcript NM_001173467.3 (MANE Select); coding-DNA position 425, G replaced by A.
Protein change: p.Gly142Asp; replaces glycine 142 with aspartic acid.
Molecular consequence: missense variant.
Genome position (GRCh38, 1-based): chr12:53,329,017, C>T on the plus strand (G>A on the coding strand, the complement: SP7 is on the minus strand). VCF-style: chr12-53329017-C-T. GRCh37 (hg19) VCF-style: chr12-53722801-C-T.
Other names: c.371G>A, p.Gly124Asp (NM_001300837.2); c.425G>A, p.Gly142Asp (NM_152860.2); c.425G>A (NM_001173467.2, NM_001173467.1); short protein forms G124D, G142D.
Identifiers: ClinVar variation 2063832 (VCV002063832.3), dbSNP rs745809342, ClinGen allele CA6599570.

ClinVar aggregate classification (germline): Uncertain significance. Review status: criteria provided, multiple submitters, no conflicts (2 of 4 stars). 3 submissions from 3 submitters: Uncertain significance (3). Last evaluated 2025-01-21.

Allele frequency attached by ClinVar (database versions not stated): gnomAD 0.00001; gnomAD exomes 0.00003; TOPMed 0.00003; ExAC 0.00020.

Submissions (3):

Ambry Genetics
Classification: Uncertain significance. Last evaluated: 2025-01-21. Review status: criteria provided, single submitter. Criteria: Ambry Variant Classification Scheme 2023. Collection method: clinical testing. Allele origin: germline.

GeneDx
Classification: Uncertain significance. Last evaluated: 2024-09-23. Review status: criteria provided, single submitter. Criteria: GeneDx Variant Classification Process June 2021. Collection method: clinical testing. Allele origin: germline. Affected: yes.
Comment: In silico analysis supports that this missense variant has a deleterious effect on protein structure/function; Has not been previously published as pathogenic or benign to our knowledge

Labcorp Genetics (formerly Invitae), Labcorp
Classification: Uncertain significance. Last evaluated: 2022-08-06. Review status: criteria provided, single submitter. Criteria: Invitae Variant Classification Sherloc (09022015). Collection method: clinical testing. Allele origin: germline.
Comment: This sequence change replaces glycine, which is neutral and non-polar, with aspartic acid, which is acidic and polar, at codon 142 of the SP7 protein (p.Gly142Asp). This variant is present in population databases (rs745809342, gnomAD 0.05%). This variant has not been reported in the literature in individuals affected with SP7-related conditions. Algorithms developed to predict the effect of missense changes on protein structure and function are either unavailable or do not agree on the potential impact of this missense change (SIFT: "Deleterious"; PolyPhen-2: "Probably Damaging"; Align-GVGD: "Class C0"). In summary, the available evidence is currently insufficient to determine the role of this variant in disease. Therefore, it has been classified as a Variant of Uncertain Significance.